The following is an entry in ClinVar:

NM_001134363.3(RBM20):c.900G>T (p.Gln300His)

Gene: RBM20 (RNA binding motif protein 20; plus strand). Cytogenetic location: 10q25.2.
Variant type: single nucleotide variant.
Coding change: c.900G>T on transcript NM_001134363.3 (MANE Select); coding-DNA position 900, G replaced by T.
Protein change: p.Gln300His; replaces glutamine 300 with histidine.
Molecular consequence: missense variant.
Genome position (GRCh38, 1-based): chr10:110,781,509, G>T. VCF-style: chr10-110781509-G-T. GRCh37 (hg19) VCF-style: chr10-112541267-G-T.
Other names: short protein forms Q300H.
Identifiers: ClinVar variation 2885726 (VCV002885726.4), dbSNP rs773932789, ClinGen allele CA5688538.
Genomic context (GRCh38, chr10:110,781,509, plus strand): 5'-AGATTTTTACGGACCCAACTCCCAAGGTTCACATGTGGCCAGCGGATTTCCAGCTGAGCA[G>T]GCTGGGGGCCTGAAAAGTGAGGTCGGGCCACTGCTGCAGGGCACAAACAGCCAATGGGAG-3'
Protein context (NP_001127835.2, residues 290-310): SHVASGFPAE[Gln300His]AGGLKSEVGP

ClinVar aggregate classification (germline): Conflicting classifications of pathogenicity. Review status: criteria provided, conflicting classifications (1 of 4 stars). 2 submissions from 2 submitters: Uncertain significance (1); Likely benign (1). Last evaluated 2026-02-19.

Conditions:
Cardiovascular phenotype. Identifiers: MedGen CN230736.
Dilated cardiomyopathy 1DD (CMD1DD). Identifiers: Orphanet 154, MedGen C2750995, MONDO:0013168, OMIM 613172.

Allele frequency attached by ClinVar (database versions not stated): gnomAD exomes 0.00002; ExAC 0.00010.
gnomAD v4.1: 26 of 1,551,670 alleles (0.0017%); highest among the groups gnomAD compares: South Asian, 0.031%; no homozygotes.

Submissions (2):

Ambry Genetics
Classification: Uncertain significance for Cardiovascular phenotype. Last evaluated: 2026-02-19. Review status: criteria provided, single submitter. Criteria: Ambry Variant Classification Scheme 2023. Collection method: clinical testing. Allele origin: germline.
Comment: The p.Q300H variant (also known as c.900G>T), located in coding exon 2 of the RBM20 gene, results from a G to T substitution at nucleotide position 900. The glutamine at codon 300 is replaced by histidine, an amino acid with highly similar properties. This amino acid position is conserved. In addition, this alteration is predicted to be tolerated by in silico analysis. Based on the available evidence, the clinical significance of this variant remains unclear.

Labcorp Genetics (formerly Invitae), Labcorp
Classification: Likely benign for Dilated cardiomyopathy 1DD. Last evaluated: 2023-04-09. Review status: criteria provided, single submitter. Criteria: Invitae Variant Classification Sherloc (09022015). Collection method: clinical testing. Allele origin: germline.